The following is an entry in ClinVar:

NM_006565.4(CTCF):c.2036G>A (p.Gly679Asp)

Gene: CTCF (CCCTC-binding factor; plus strand). Cytogenetic location: 16q22.1.
Variant type: single nucleotide variant.
Coding change: c.2036G>A on transcript NM_006565.4 (MANE Select); coding-DNA position 2036, G replaced by A.
Protein change: p.Gly679Asp; replaces glycine 679 with aspartic acid.
Molecular consequence: missense variant.
Genome position (GRCh38, 1-based): chr16:67,637,724, G>A. VCF-style: chr16-67637724-G-A. GRCh37 (hg19) VCF-style: chr16-67671627-G-A.
Other names: c.1052G>A, p.Gly351Asp (NM_001191022.2); c.2030G>A, p.Gly677Asp (NM_001363916.2); short protein forms G351D, G679D, G677D.
Identifiers: ClinVar variation 1784820 (VCV001784820.2), dbSNP rs778335254, ClinGen allele CA8112847.

ClinVar aggregate classification (germline): Uncertain significance (1 of 4 stars; one submission).

Conditions:
Inborn genetic diseases. Identifiers: MedGen C0950123, MeSH D030342.

Allele frequency attached by ClinVar (database versions not stated): ExAC 0.00001.

Submission:

Ambry Genetics
Classification: Uncertain significance for Inborn genetic diseases. Last evaluated: 2018-12-14. Review status: criteria provided, single submitter. Criteria: Ambry Variant Classification Scheme 2023. Collection method: clinical testing. Allele origin: germline.
Comment: The p.G679D variant (also known as c.2036G>A), located in coding exon 10 of the CTCF gene, results from a G to A substitution at nucleotide position 2036. The glycine at codon 679 is replaced by aspartic acid, an amino acid with similar properties. This amino acid position is well conserved in available vertebrate species. In addition, this alteration is predicted to be tolerated by in silico analysis. Since supporting evidence is limited at this time, the clinical significance of this alteration remains unclear.